The following is an entry in ClinVar:

NM_001184.4(ATR):c.392T>A (p.Leu131Ter)

Gene: ATR (ATR checkpoint kinase; minus strand). Cytogenetic location: 3q23.
Variant type: single nucleotide variant.
Coding change: c.392T>A on transcript NM_001184.4 (MANE Select); coding-DNA position 392, T replaced by A.
Protein change: p.Leu131Ter; replaces leucine 131 with a stop codon.
Molecular consequence: nonsense.
Genome position (GRCh38, 1-based): chr3:142,563,010, A>T on the plus strand (T>A on the coding strand, the complement: ATR is on the minus strand). VCF-style: chr3-142563010-A-T. GRCh37 (hg19) VCF-style: chr3-142281852-A-T.
Other names: c.392T>A, p.Leu131Ter (NM_001354579.2); short protein forms L131*.
Identifiers: ClinVar variation 1444557 (VCV001444557.6), dbSNP rs2108488694, ClinGen allele CA354827166.

ClinVar aggregate classification (germline): Pathogenic (1 of 4 stars; one submission).

Submission:

Labcorp Genetics (formerly Invitae), Labcorp
Classification: Pathogenic. Last evaluated: 2021-11-09. Review status: criteria provided, single submitter. Criteria: Invitae Variant Classification Sherloc (09022015). Collection method: clinical testing. Allele origin: germline.
Comment: For these reasons, this variant has been classified as Pathogenic. This variant has not been reported in the literature in individuals affected with ATR-related conditions. This variant is not present in population databases (gnomAD no frequency). This sequence change creates a premature translational stop signal (p.Leu131*) in the ATR gene. It is expected to result in an absent or disrupted protein product. Loss-of-function variants in ATR are known to be pathogenic (PMID: 21228398, 23144622).

Literature cited by the submitters: PubMed 21228398; PubMed 23144622.